The following is an entry in ClinVar:

ClinVar aggregate classification (germline): Pathogenic (1 of 4 stars; one submission).

Submission:

Athena Diagnostics
Classification: Pathogenic. Last evaluated: 2021-02-19. Review status: criteria provided, single submitter. Criteria: Athena Diagnostics criteria. Collection method: clinical testing. Allele origin: unknown.
Comment: This variant is expected to result in the loss of a functional protein. This variant has not been reported in large, multi-ethnic general populations. This variant has been identified in at least one individual with clinical features associated with this gene (PMID: 18003757).

Literature cited by the submitters: PubMed 18003757.

NM_000545.8(HNF1A):c.1080_1081dup (p.Ser361fs)

Gene: HNF1A (HNF1 homeobox A; plus strand). Cytogenetic location: 12q24.31.
Variant type: Microsatellite.
Coding change: c.1080_1081dup on transcript NM_000545.8 (MANE Select); coding-DNA positions 1080 to 1081, 2 bases duplicated (CA; older notation c.1080_1081dupCA).
Protein change: p.Ser361fs; shifts the reading frame from serine 361.
Molecular consequence: frameshift variant.
Genome position (GRCh38, 1-based): chr12:120,996,386-120,996,387, CA duplicated; duplicating any 2 consecutive bases within chr12:120,996,384-120,996,387 gives the same sequence; the c. name uses the placement nearest the transcript's 3' end. VCF-style (leftmost placement, unchanged base first): chr12-120996383-C-CCA. GRCh37 (hg19) VCF-style: chr12-121434186-C-CCA.
Other names: c.1080_1081dup, p.Ser361fs (NM_001306179.2); short protein forms S361fs.
Identifiers: ClinVar variation 1256569 (VCV001256569.1), dbSNP rs2135845384, ClinGen allele CA2580614581.